The following is an entry in ClinVar:

NM_182914.3(SYNE2):c.18104G>A (p.Arg6035His)

Gene: SYNE2 (spectrin repeat containing nuclear envelope protein 2; plus strand). Cytogenetic location: 14q23.2.
Variant type: single nucleotide variant.
Coding change: c.18104G>A on transcript NM_182914.3 (MANE Select); coding-DNA position 18104, G replaced by A.
Protein change: p.Arg6035His; replaces arginine 6035 with histidine.
Molecular consequence: missense variant.
Genome position (GRCh38, 1-based): chr14:64,202,866, G>A. VCF-style: chr14-64202866-G-A. GRCh37 (hg19) VCF-style: chr14-64669584-G-A.
Other names: c.18104G>A, p.Arg6035His (NM_015180.6); short protein forms R6035H.
Identifiers: ClinVar variation 651795 (VCV000651795.12), dbSNP rs963291095, ClinGen allele CA261818789.

ClinVar aggregate classification (germline): Uncertain significance. Review status: criteria provided, multiple submitters, no conflicts (2 of 4 stars). 2 submissions from 2 submitters: Uncertain significance (2). Last evaluated 2022-08-10.

Conditions:
Emery-Dreifuss muscular dystrophy 5, autosomal dominant (EDMD5). Also called: EMERY-DREIFUSS MUSCULAR DYSTROPHY 5. Identifiers: Orphanet 261, MedGen C2751805, MONDO:0013072, OMIM 612999.

Allele frequency attached by ClinVar (database versions not stated): gnomAD exomes below 0.00001 and 0.00001; TOPMed 0.00002; gnomAD 0.00003.
gnomAD v4.1: 12 of 1,613,970 alleles (0.00074%); highest among the groups gnomAD compares: African/African-American, 0.004%; no homozygotes.

Submissions (2):

Labcorp Genetics (formerly Invitae), Labcorp
Classification: Uncertain significance for Emery-Dreifuss muscular dystrophy 5, autosomal dominant. Last evaluated: 2022-08-10. Review status: criteria provided, single submitter. Criteria: Invitae Variant Classification Sherloc (09022015). Collection method: clinical testing. Allele origin: germline.
Comment: This sequence change replaces arginine, which is basic and polar, with histidine, which is basic and polar, at codon 6035 of the SYNE2 protein (p.Arg6035His). In summary, the available evidence is currently insufficient to determine the role of this variant in disease. Therefore, it has been classified as a Variant of Uncertain Significance. Algorithms developed to predict the effect of missense changes on protein structure and function are either unavailable or do not agree on the potential impact of this missense change (SIFT: "Tolerated"; PolyPhen-2: "Probably Damaging"; Align-GVGD: "Class C0"). ClinVar contains an entry for this variant (Variation ID: 651795). This variant has not been reported in the literature in individuals affected with SYNE2-related conditions. This variant is present in population databases (no rsID available, gnomAD 0.008%).

Illumina Laboratory Services, Illumina
Classification: Uncertain significance for Emery-Dreifuss muscular dystrophy 5, autosomal dominant. Last evaluated: 2018-01-13. Review status: criteria provided, single submitter. Criteria: ICSL Variant Classification Criteria 13 December 2019. Collection method: clinical testing. Allele origin: germline.